The following is an entry in ClinVar:

NM_001458.5(FLNC):c.7588A>T (p.Thr2530Ser)

Genes: FLNC (filamin C; plus strand), FLNC-AS1 (FLNC antisense RNA 1; minus strand). Cytogenetic location: 7q32.1.
Variant type: single nucleotide variant.
Coding change: c.7588A>T on transcript NM_001458.5 (MANE Select); coding-DNA position 7588, A replaced by T.
Protein change: p.Thr2530Ser; replaces threonine 2530 with serine.
Molecular consequence: missense variant.
Genome position (GRCh38, 1-based): chr7:128,857,144, A>T. VCF-style: chr7-128857144-A-T. GRCh37 (hg19) VCF-style: chr7-128497198-A-T.
Other names: c.7489A>T, p.Thr2497Ser (NM_001127487.2); c.7588A>T (NM_001458.4); short protein forms T2530S, T2497S.
Identifiers: ClinVar variation 813933 (VCV000813933.2), dbSNP rs760694025, ClinGen allele CA369219267.

ClinVar aggregate classification (germline): Uncertain significance. Review status: criteria provided, multiple submitters, no conflicts (2 of 4 stars). 2 submissions from 2 submitters: Uncertain significance (2). Last evaluated 2025-03-11.

Conditions:
Cardiovascular phenotype. Identifiers: MedGen CN230736.
Hypertrophic cardiomyopathy 26. Also called: Cardiomyopathy, familial hypertrophic, 26. Identifiers: Orphanet 75249, MedGen C4310749, MONDO:0014883, OMIM 617047.

Submissions (2):

Ambry Genetics
Classification: Uncertain significance for Cardiovascular phenotype. Last evaluated: 2025-03-11. Review status: criteria provided, single submitter. Criteria: Ambry Variant Classification Scheme 2023. Collection method: clinical testing. Allele origin: germline.

Broad Center for Mendelian Genomics, Broad Institute of MIT and Harvard
Classification: Uncertain significance for Hypertrophic cardiomyopathy 26. Last evaluated: 2018-12-03. Review status: criteria provided, single submitter. Criteria: ACMG Guidelines, 2015. Collection method: research. Allele origin: germline. Inheritance: Autosomal dominant inheritance. Affected: yes.
Comment: The heterozygous p.Thr2530Ser variant in FLNC was identified by our study in two siblings with familial hypertrophic cardiomyopathy. This variant was absent from large population studies. Computational prediction tools and conservation analyses suggest that this variant may impact the protein, though this information is not predictive enough to determine pathogenicity. The FLNC gene has a low rate of benign missense variation, raising the possibility that a change in this gene may not be tolerated. In summary, the clinical significance of the p.Thr2530Ser variant is uncertain. ACMG/AMP Criteria applied: PM2, PP3 (Richards 2015).